The following is an entry in ClinVar:

ClinVar aggregate classification (germline): Benign. Review status: criteria provided, multiple submitters, no conflicts (2 of 4 stars). 3 submissions from 3 submitters: Benign (3). Last evaluated 2026-01-22.

Conditions:
Hennekam lymphangiectasia-lymphedema syndrome 1 (HKLLS1). Also called: LYMPHATIC DYSPLASIA, GENERALIZED. Identifiers: Orphanet 2136, MedGen C4012050, MONDO:0009337, OMIM 235510.

Allele frequency attached by ClinVar (database versions not stated): ESP Exome Variant Server 0.00015; gnomAD 0.00035 and 0.00076; TOPMed 0.00070; ExAC 0.00246; 1000 Genomes Project 30x 0.00547; 1000 Genomes Project 0.00599.
gnomAD v4.1: 1,634 of 1,614,028 alleles (0.1%); highest among the groups gnomAD compares: East Asian, 1.9%; 22 homozygotes.

Submissions (3):

Labcorp Genetics (formerly Invitae), Labcorp
Classification: Benign. Last evaluated: 2026-01-22. Review status: criteria provided, single submitter. Criteria: Invitae Variant Classification Sherloc (09022015). Collection method: clinical testing. Allele origin: germline.

CeGaT Center for Human Genetics Tuebingen
Classification: Benign. Last evaluated: 2023-10-01. Review status: criteria provided, single submitter. Criteria: CeGaT Center For Human Genetics Tuebingen Variant Classification Criteria Version 2. Collection method: clinical testing. Allele origin: germline. Affected: yes. Observed: 1 variant allele.
Comment: CCBE1: BP4, BP7, BS1, BS2

Illumina Laboratory Services, Illumina
Classification: Benign for Hennekam lymphangiectasia-lymphedema syndrome 1. Last evaluated: 2018-01-13. Review status: criteria provided, single submitter. Criteria: ICSL Variant Classification Criteria 13 December 2019. Collection method: clinical testing. Allele origin: germline.
Comment: This variant was observed in the ICSL laboratory as part of a predisposition screen in an ostensibly healthy population. It had not been previously curated by ICSL or reported in the Human Gene Mutation Database (HGMD: prior to June 1st, 2018), and was therefore a candidate for classification through an automated scoring system. Utilizing variant allele frequency, disease prevalence and penetrance estimates, and inheritance mode, an automated score was calculated to assess if this variant is too frequent to cause the disease. Based on the score and internal cut-off values, a variant classified as benign is not then subjected to further curation. The score for this variant resulted in a classification of benign for this disease.

NM_133459.4(CCBE1):c.156C>T (p.Ile52=)

Gene: CCBE1 (collagen and calcium binding EGF domains 1; minus strand). Cytogenetic location: 18q21.32.
Variant type: single nucleotide variant.
Coding change: c.156C>T on transcript NM_133459.4 (MANE Select); coding-DNA position 156, C replaced by T.
Protein change: p.Ile52=; no amino-acid change (isoleucine 52 retained).
Molecular consequence: synonymous variant.
Genome position (GRCh38, 1-based): chr18:59,696,685, G>A on the plus strand (C>T on the coding strand, the complement: CCBE1 is on the minus strand). VCF-style: chr18-59696685-G-A. GRCh37 (hg19) VCF-style: chr18-57363917-G-A.
Other names: c.156C>T, p.Ile52= (LRG_1209t1).
Identifiers: ClinVar variation 327709 (VCV000327709.39), dbSNP rs2288598, ClinGen allele CA8980626.